The following is an entry in ClinVar:

ClinVar aggregate classification (germline): Likely pathogenic. Review status: criteria provided, single submitter (1 of 4 stars). 2 submissions from 2 submitters: Likely pathogenic (1). 1 of the submissions does not count toward it. Last evaluated 2025-06-19.

Conditions:
PUM1-associated developmental disability-ataxia-seizure syndrome. Identifiers: Orphanet 589515, MedGen CN376901, MONDO:0958231.
Spinocerebellar ataxia 47 (NEDMSF). Also called: neurodevelopmental disorder with motor abnormalities, seizures, and facial dysmorphism; PADDAS SYNDROME. Identifiers: Orphanet 642747, MedGen C4693672, MONDO:0033482, OMIM 620719.

Allele frequency attached by ClinVar (database versions not stated): gnomAD exomes below 0.00001.
gnomAD v4.1: 2 of 1,613,822 alleles (0.00012%); highest among the groups gnomAD compares: Non-Finnish European, 0.00017%; no homozygotes.

Submissions (2):

SIB Swiss Institute of Bioinformatics
Classification: Likely pathogenic for Spinocerebellar ataxia 47. Last evaluated: 2025-06-19. Review status: criteria provided, single submitter. Criteria: ACMG Guidelines, 2015. Collection method: curation. Allele origin: de novo. Inheritance: Autosomal dominant inheritance.
Comment: This variant is interpreted as likely pathogenic for Neurodevelopmental disorder with motor abnormalities, and facial dysmorphism. The following ACMG Tag(s) were applied: PM2_supporting => Absent from controls (or at extremely low frequency if recessive) in Exome Sequencing Project, 1000 Genomes Project, or Exome Aggregation Consortium. PS2_moderate => De novo occurrence (PubMed 29474920). PS3 => Well-established functional studies show a deleterious effect (PubMed 29474920).

OMIM
Classification: Pathogenic for NEURODEVELOPMENTAL DISORDER WITH MOTOR ABNORMALITIES, SEIZURES, AND FACIAL DYSMORPHISM. Last evaluated: 2025-05-02. Review status: no assertion criteria provided. Collection method: literature only. Allele origin: germline. Not counted in ClinVar's aggregate classification.

Literature cited by the submitters: PubMed 29474920 (cited by SIB Swiss Institute of Bioinformatics and OMIM).

NM_001020658.2(PUM1):c.3415C>T (p.Arg1139Trp)

Gene: PUM1 (pumilio RNA binding family member 1; minus strand). Cytogenetic location: 1p35.2.
Variant type: single nucleotide variant.
Coding change: c.3415C>T on transcript NM_001020658.2 (MANE Select); coding-DNA position 3415, C replaced by T.
Protein change: p.Arg1139Trp; replaces arginine 1139 with tryptophan.
Molecular consequence: missense variant.
Genome position (GRCh38, 1-based): chr1:30,936,663, G>A on the plus strand (C>T on the coding strand, the complement: PUM1 is on the minus strand). VCF-style: chr1-30936663-G-A. GRCh37 (hg19) VCF-style: chr1-31409510-G-A.
Other names: c.3409C>T, p.Arg1137Trp (NM_014676.3); short protein forms R1137W, R1139W.
Identifiers: ClinVar variation 617929 (VCV000617929.7), dbSNP rs1557541619, ClinGen allele CA339560093.